The following is an entry in ClinVar:

NM_024408.4(NOTCH2):c.7070T>C (p.Met2357Thr)

Gene: NOTCH2 (notch receptor 2; minus strand). Cytogenetic location: 1p12.
Variant type: single nucleotide variant.
Coding change: c.7070T>C on transcript NM_024408.4 (MANE Select); coding-DNA position 7070, T replaced by C.
Protein change: p.Met2357Thr; replaces methionine 2357 with threonine.
Molecular consequence: missense variant.
Genome position (GRCh38, 1-based): chr1:119,915,652, A>G on the plus strand (T>C on the coding strand, the complement: NOTCH2 is on the minus strand). VCF-style: chr1-119915652-A-G. GRCh37 (hg19) VCF-style: chr1-120458275-A-G.
Other names: c.7070T>C (NM_024408.3); short protein forms M2357T.
Identifiers: ClinVar variation 1913961 (VCV001913961.6), dbSNP rs2526103840, ClinGen allele CA341873742.
Genomic context (GRCh38, chr1:119,915,652, plus strand): 5'-GGGAAAGGATGATAGGCTGGGAGAATGGTCTGAGCTACCTGCCCGTCCTGCTGGGGCATC[A>G]TGGCAGTGGGGAAAGCCACACTGGGCAAACGGGCCATTTCTGGAATCTGGTACATGGTGG-3'
Protein context (NP_077719.2, residues 2347-2367): RLPSVAFPTA[Met2357Thr]MPQQDGQVAQ

ClinVar aggregate classification (germline): Uncertain significance. Review status: criteria provided, multiple submitters, no conflicts (2 of 4 stars). 2 submissions from 2 submitters: Uncertain significance (2). Last evaluated 2026-09-02.

Conditions:
Inborn genetic diseases. Identifiers: MedGen C0950123, MeSH D030342.
Hajdu-Cheney syndrome (HJCYS). Also called: SERPENTINE FIBULA-POLYCYSTIC KIDNEY SYNDROME; ACROOSTEOLYSIS WITH OSTEOPOROSIS AND CHANGES IN SKULL AND MANDIBLE; Acroosteolysis dominant type. Identifiers: Orphanet 955, MedGen C0917715, MONDO:0007057, OMIM 102500.

Submissions (2):

Ambry Genetics
Classification: Uncertain significance for Inborn genetic diseases. Last evaluated: 2026-09-02. Review status: criteria provided, single submitter. Criteria: Ambry Variant Classification Scheme 2023. Collection method: clinical testing. Allele origin: germline.

Labcorp Genetics (formerly Invitae), Labcorp
Classification: Uncertain significance for Hajdu-Cheney syndrome. Last evaluated: 2022-07-14. Review status: criteria provided, single submitter. Criteria: Invitae Variant Classification Sherloc (09022015). Collection method: clinical testing. Allele origin: germline.
Comment: This sequence change replaces methionine, which is neutral and non-polar, with threonine, which is neutral and polar, at codon 2357 of the NOTCH2 protein (p.Met2357Thr). In summary, the available evidence is currently insufficient to determine the role of this variant in disease. Therefore, it has been classified as a Variant of Uncertain Significance. Advanced modeling of protein sequence and biophysical properties (such as structural, functional, and spatial information, amino acid conservation, physicochemical variation, residue mobility, and thermodynamic stability) performed at Invitae indicates that this missense variant is not expected to disrupt NOTCH2 protein function. This variant has not been reported in the literature in individuals affected with NOTCH2-related conditions. This variant is not present in population databases (gnomAD no frequency).